The following is an entry in ClinVar:

ClinVar aggregate classification (germline): Uncertain significance (1 of 4 stars; one submission).

Conditions:
Developmental and epileptic encephalopathy, 53. Also called: Epileptic encephalopathy, early infantile, 53. Identifiers: MedGen C4479313, MONDO:0033362, OMIM 617389.
Early-onset Parkinson disease 20. Also called: PARKINSON DISEASE 20, AUTOSOMAL RECESSIVE EARLY-ONSET. Identifiers: Orphanet 391411, MedGen C3809824, MONDO:0014233, OMIM 615530.

Allele frequency attached by ClinVar (database versions not stated): gnomAD exomes 0.00002; gnomAD 0.00003; TOPMed 0.00003.
gnomAD v4.1: 82 of 1,613,966 alleles (0.0051%); highest among the groups gnomAD compares: Non-Finnish European, 0.0067%; no homozygotes.

Submission:

Labcorp Genetics (formerly Invitae), Labcorp
Classification: Uncertain significance for Developmental and epileptic encephalopathy, 53; Early-onset Parkinson disease 20. Last evaluated: 2022-09-27. Review status: criteria provided, single submitter. Criteria: Invitae Variant Classification Sherloc (09022015). Collection method: clinical testing. Allele origin: germline.
Comment: This sequence change replaces glycine, which is neutral and non-polar, with aspartic acid, which is acidic and polar, at codon 175 of the SYNJ1 protein (p.Gly175Asp). This variant is present in population databases (rs771507886, gnomAD 0.004%). This variant has not been reported in the literature in individuals affected with SYNJ1-related conditions. ClinVar contains an entry for this variant (Variation ID: 862230). Advanced modeling of protein sequence and biophysical properties (such as structural, functional, and spatial information, amino acid conservation, physicochemical variation, residue mobility, and thermodynamic stability) performed at Invitae indicates that this missense variant is not expected to disrupt SYNJ1 protein function. In summary, the available evidence is currently insufficient to determine the role of this variant in disease. Therefore, it has been classified as a Variant of Uncertain Significance.

NM_203446.3(SYNJ1):c.407G>A (p.Gly136Asp)

Gene: SYNJ1 (synaptojanin 1; minus strand). Cytogenetic location: 21q22.11.
Variant type: single nucleotide variant.
Coding change: c.407G>A on transcript NM_203446.3 (MANE Select); coding-DNA position 407, G replaced by A.
Protein change: p.Gly136Asp; replaces glycine 136 with aspartic acid.
Molecular consequence: missense variant.
Genome position (GRCh38, 1-based): chr21:32,699,910, C>T on the plus strand (G>A on the coding strand, the complement: SYNJ1 is on the minus strand). VCF-style: chr21-32699910-C-T. GRCh37 (hg19) VCF-style: chr21-34072220-C-T.
Other names: c.407G>A, p.Gly136Asp (NM_001160302.2, NM_001160306.2); c.524G>A, p.Gly175Asp (NM_003895.4); short protein forms G136D, G175D.
Identifiers: ClinVar variation 862230 (VCV000862230.4), dbSNP rs771507886, ClinGen allele CA319457419.